The following is an entry in ClinVar:

NM_005491.5(MAMLD1):c.*617G>A

Gene: MAMLD1 (mastermind like domain containing 1; plus strand). Cytogenetic location: Xq28.
Variant type: single nucleotide variant.
Coding change: c.*617G>A on transcript NM_005491.5 (MANE Select); 617 bases downstream of the stop codon, G replaced by A.
Molecular consequence: 3 prime UTR variant. On other transcripts: missense variant (2).
Genome position (GRCh38, 1-based): chrX:150,512,576, G>A. VCF-style: chrX-150512576-G-A. GRCh37 (hg19) VCF-style: chrX-149680846-G-A.
Other names: c.2500G>A, p.Val834Met (NM_001177465.3); c.*617G>A (NM_001177466.3, NM_001400513.1, NM_001400514.1 and 1 more transcripts); c.2575G>A, p.Val859Met (NM_001400512.1); short protein forms V834M, V859M.
Identifiers: ClinVar variation 4070674 (VCV004070674.1).

ClinVar aggregate classification (germline): Uncertain significance (1 of 4 stars; one submission).

Submission:

GeneDx
Classification: Uncertain significance. Last evaluated: 2025-01-15. Review status: criteria provided, single submitter. Criteria: GeneDx Variant Classification Process June 2021. Collection method: clinical testing. Allele origin: germline. Affected: yes.
Comment: Not observed at significant frequency in large population cohorts (gnomAD); Has not been previously published as pathogenic or benign to our knowledge; In silico analyses, including protein predictors and evolutionary conservation, indicate that this variant does not alter protein structure/function; Reported using an alternate transcript of the gene